The following is an entry in ClinVar:

ClinVar aggregate classification (germline): Likely pathogenic (1 of 4 stars; one submission).

Conditions:
Muscle eye brain disease (MEB). Also called: Santavuori congenital muscular dystrophy. Identifiers: Orphanet 588, Orphanet 899, MedGen C0457133, MONDO:0018939.

Submission:

Natera, Inc.
Classification: Likely pathogenic for Muscle-eye-brain disease. Last evaluated: 2024-12-02. Review status: criteria provided, single submitter. Criteria: Natera Variant Classification Schema (03/2026). Collection method: clinical testing. Allele origin: germline.
Comment: The c.977del variant in POMGNT1 is a frameshift variant predicted to shift the reading frame beginning at codon 326 and leads to a stop codon 7 codons downstream. This variant is expected to result in nonsense mediated decay, truncation, or a dysfunctional protein product. This variant is rare in the general population with a frequency below the threshold expected for the associated phenotype(s). Given the available evidence, this variant is classified as Likely Pathogenic.

NM_017739.4(POMGNT1):c.977del (p.Gln326fs)

Genes: POMGNT1 (protein O-linked mannose N-acetylglucosaminyltransferase 1 (beta 1,2-); minus strand), TSPAN1 (tetraspanin 1; plus strand). Cytogenetic location: 1p34.1.
Variant type: Deletion.
Coding change: c.977del on transcript NM_017739.4 (MANE Select); coding-DNA position 977, one base deleted (A; older notation c.977delA).
Protein change: p.Gln326fs; shifts the reading frame from glutamine 326.
Molecular consequence: frameshift variant.
Genome position (GRCh38, 1-based): chr1:46,193,613, T deleted on the plus strand (A on the coding strand, the reverse complement: POMGNT1 is on the minus strand). VCF-style (leftmost placement, unchanged base first): chr1-46193612-CT-C. GRCh37 (hg19) VCF-style: chr1-46659284-CT-C.
Other names: c.977del, p.Gln326fs (NM_001243766.2, NM_001410783.1, NM_001437653.1 and 3 more transcripts); c.911del, p.Gln304fs (NM_001290129.3, NM_001438691.1, NM_001438692.1); c.548del, p.Gln183fs (NM_001290130.2); short protein forms Q183fs, Q304fs, Q326fs.
Identifiers: ClinVar variation 4815906 (VCV004815906.1).